The following is an entry in ClinVar:

ClinVar aggregate classification (germline): Uncertain significance. Review status: criteria provided, single submitter (1 of 4 stars). 2 submissions from 2 submitters: Uncertain significance (1). 1 of the submissions does not count toward it. Last evaluated 2025-05-28.

Conditions:
Pyruvate dehydrogenase E1-alpha deficiency (PDHAD). Also called: ATAXIA, INTERMITTENT, WITH ABNORMAL PYRUVATE METABOLISM; ATAXIA, INTERMITTENT, WITH PYRUVATE DEHYDROGENASE DEFICIENCY; ATAXIA WITH LACTIC ACIDOSIS I; Ataxia, intermittent, with pyruvate dehydrogenase, or decarboxylase, deficiency. Identifiers: Orphanet 79243, MedGen C1839413, MONDO:0010717, OMIM 312170.

Submissions (2):

3billion
Classification: Uncertain significance for Pyruvate dehydrogenase E1-alpha deficiency. Last evaluated: 2025-05-28. Review status: criteria provided, single submitter. Criteria: ACMG Guidelines, 2015. Collection method: clinical testing. Allele origin: germline. Affected: yes.
Comment: The variant is not observed in the gnomAD v4.1.0 dataset. Predicted Consequence/Location: Inframe deletion located in a nonrepeat region: predicted to change the length of the protein and disrupt normal protein function. The variant has been reported to be associated with PDHA1-related disorder (PMID: 19517265). However, the evidence of pathogenicity is insufficient at this time. Therefore, this variant is classified as VUS according to the recommendation of ACMG/AMP guideline.

PDHA1 Study Group, University Children’s Hospital, Paracelsus Medical University
Classification: Likely pathogenic for Pyruvate dehydrogenase E1-alpha deficiency. Last evaluated: 2024-10-15. Review status: no assertion criteria provided. Collection method: research. Allele origin: germline. Affected: yes. Observed: 1 variant allele. Not counted in ClinVar's aggregate classification.
Comment: The NM_000284.3:c.429_431del (p.Gly144del) change is a deletion-insertion (delins) variant in PDHA1 gene. The variant has been reported in 1 published case (PMIDs: 19517265). Last literature search: July 12, 2024. This variant is absent or extremely rare in population-based cohorts in the Genome Aggregation Database (gnomAD). Individuals harboring this variant presented with clinical features compatible with PDHA1-related PDHc deficiency. In summary, this variant meets criteria to be classified as likely pathogenic (LP) for PDHA1-related PDHc deficiency based on the ACMG/AMP criteria applied: PM1, PM2, PM4, PM7 (last assessment October 15, 2024).

Literature cited by the submitters: PubMed 19517265 (cited by 3billion and PDHA1 Study Group, University Children’s Hospital, Paracelsus Medical University); DOI 10.1093/brain/awaf430 (cited by PDHA1 Study Group, University Children’s Hospital, Paracelsus Medical University).

NM_000284.4(PDHA1):c.426AGG[1] (p.Gly144del)

Gene: PDHA1 (pyruvate dehydrogenase E1 subunit alpha 1; plus strand). Cytogenetic location: Xp22.12.
Variant type: Microsatellite.
Coding change: c.426AGG[1] on transcript NM_000284.4 (MANE Select); one copy of the 3-base unit AGG starting at c.426; the reference has two copies in a row; one copy, 3 bases deleted; also written c.429_431del.
Protein change: p.Gly144del; deletes glycine 144.
Molecular consequence: inframe deletion.
Genome position (GRCh38, 1-based): chrX:19,353,092-19,353,094, AGG deleted; deleting any 3 consecutive bases within chrX:19,353,089-19,353,094 gives the same sequence; the position shown is the placement nearest the transcript's 3' end. VCF-style (leftmost placement, unchanged base first): chrX-19353088-AAGG-A. GRCh37 (hg19) VCF-style: chrX-19371206-AAGG-A.
Other names: c.429_431del (NM_000284.4); c.540AGG[1], p.Gly182del (NM_001173454.2); c.447AGG[1], p.Gly151del (NM_001173455.2); c.426AGG[1], p.Gly144del (NM_001173456.2); short protein forms G144del, G151del, G182del.
Identifiers: ClinVar variation 4070320 (VCV004070320.2).